The following is an entry in ClinVar:

NM_022114.4(PRDM16):c.2089G>T (p.Ala697Ser)

Gene: PRDM16 (PR/SET domain 16; plus strand). Cytogenetic location: 1p36.32.
Variant type: single nucleotide variant.
Coding change: c.2089G>T on transcript NM_022114.4 (MANE Select); coding-DNA position 2089, G replaced by T.
Protein change: p.Ala697Ser; replaces alanine 697 with serine.
Molecular consequence: missense variant.
Genome position (GRCh38, 1-based): chr1:3,412,286, G>T. VCF-style: chr1-3412286-G-T. GRCh37 (hg19) VCF-style: chr1-3328850-G-T.
Other names: c.2089G>T, p.Ala697Ser (NM_199454.3); short protein forms A697S.
Identifiers: ClinVar variation 229161 (VCV000229161.12), dbSNP rs779334537, ClinGen allele CA544378.

ClinVar aggregate classification (germline): Uncertain significance. Review status: criteria provided, multiple submitters, no conflicts (2 of 4 stars). 2 submissions from 2 submitters: Uncertain significance (2). Last evaluated 2025-01-29.

Conditions:
Left ventricular noncompaction 8 (LVNC8). Identifiers: Orphanet 154, Orphanet 54260, MedGen C3809288, MONDO:0014152, OMIM 615373.

Allele frequency attached by ClinVar (database versions not stated): TOPMed 0.00002.
gnomAD v4.1: 1 of 1,613,532 alleles (0.000062%); highest among the groups gnomAD compares: Non-Finnish European, 0.000085%; no homozygotes.

Submissions (2):

Labcorp Genetics (formerly Invitae), Labcorp
Classification: Uncertain significance for Left ventricular noncompaction 8. Last evaluated: 2025-01-29. Review status: criteria provided, single submitter. Criteria: Invitae Variant Classification Sherloc (09022015). Collection method: clinical testing. Allele origin: germline.
Comment: This sequence change replaces alanine, which is neutral and non-polar, with serine, which is neutral and polar, at codon 697 of the PRDM16 protein (p.Ala697Ser). This variant is present in population databases (rs779334537, gnomAD 0.002%). This variant has not been reported in the literature in individuals affected with PRDM16-related conditions. ClinVar contains an entry for this variant (Variation ID: 229161). An algorithm developed to predict the effect of missense changes on protein structure and function (PolyPhen-2) suggests that this variant is likely to be disruptive. In summary, the available evidence is currently insufficient to determine the role of this variant in disease. Therefore, it has been classified as a Variant of Uncertain Significance.

Laboratory for Molecular Medicine, Mass General Brigham Personalized Medicine
Classification: Uncertain significance. Last evaluated: 2015-07-22. Review status: criteria provided, single submitter. Criteria: LMM Criteria. Collection method: clinical testing. Allele origin: germline. Observed: 2 variant alleles.
Comment: The p.Ala697Ser variant in PRDM16 has not been previously reported in individual s with cardiomyopathy, but has been identified in 2/66264 European chromosomes b y the Exome Aggregation Consortium (ExAC). Compu tational prediction tools and conservation analysis do not provide strong suppor t for or against an impact to the protein. In summary, the clinical significance of the p.Ala697Ser variant is uncertain.